The following is an entry in ClinVar:

ClinVar aggregate classification (germline): Uncertain significance (1 of 4 stars; one submission).

Conditions:
Cobalamin C disease. Also called: Methylmalonic aciduria and homocystinuria, Vitamin B12-responsive; Vitamin B12 metabolic defect with combined deficiency of methylmalonyl-CoA mutase and homocysteine:methyltetrahydrofolate methyltransferase; methylmalonic aciduria and homocystinuria type cblC; Methylmalonic aciduria with homocystinuria cblC type; Cobalamin-C methylmalonic acidemia and homocystinuria; Methylmalonic acidemia and homocystinuria cblC type. Identifiers: Orphanet 26, Orphanet 79282, MedGen C1848561, MONDO:0010184, OMIM 277400.

gnomAD v4.1: 31 of 1,612,276 alleles (0.0019%); highest among the groups gnomAD compares: Middle Eastern, 0.016%; no homozygotes.

Submission:

Labcorp Genetics (formerly Invitae), Labcorp
Classification: Uncertain significance for Cobalamin C disease. Last evaluated: 2021-09-24. Review status: criteria provided, single submitter. Criteria: Invitae Variant Classification Sherloc (09022015). Collection method: clinical testing. Allele origin: germline.
Comment: This sequence change replaces proline with leucine at codon 248 of the MMACHC protein (p.Pro248Leu). The proline residue is weakly conserved and there is a moderate physicochemical difference between proline and leucine. This variant is present in population databases (rs564280688, ExAC 0.003%). This variant has not been reported in the literature in individuals with MMACHC-related conditions. Advanced modeling of protein sequence and biophysical properties (such as structural, functional, and spatial information, amino acid conservation, physicochemical variation, residue mobility, and thermodynamic stability) performed at Invitae indicates that this missense variant is not expected to disrupt MMACHC protein function. In summary, the available evidence is currently insufficient to determine the role of this variant in disease. Therefore, it has been classified as a Variant of Uncertain Significance.

NM_015506.3(MMACHC):c.743C>T (p.Pro248Leu)

Gene: MMACHC (metabolism of cobalamin associated C; plus strand). Cytogenetic location: 1p34.1.
Variant type: single nucleotide variant.
Coding change: c.743C>T on transcript NM_015506.3 (MANE Select); coding-DNA position 743, C replaced by T.
Protein change: p.Pro248Leu; replaces proline 248 with leucine.
Molecular consequence: missense variant.
Genome position (GRCh38, 1-based): chr1:45,509,109, C>T. VCF-style: chr1-45509109-C-T. GRCh37 (hg19) VCF-style: chr1-45974781-C-T.
Other names: c.572C>T, p.Pro191Leu (NM_001330540.2); short protein forms P248L, P191L.
Identifiers: ClinVar variation 2176768 (VCV002176768.1), dbSNP rs564280688, ClinGen allele CA827850.